The following is an entry in ClinVar:

ClinVar aggregate classification (germline): Conflicting classifications of pathogenicity. Review status: criteria provided, conflicting classifications (1 of 4 stars). 5 submissions from 5 submitters: Likely pathogenic (1); Uncertain significance (4). Last evaluated 2025-10-02.

Conditions:
Gnathodiaphyseal dysplasia (GDD). Also called: GNATHODIAPHYSEAL SCLEROSIS; OSTEOGENESIS IMPERFECTA WITH UNUSUAL SKELETAL LESIONS. Identifiers: Orphanet 53697, MedGen C1833736, MONDO:0008151, OMIM 166260.
Autosomal recessive limb-girdle muscular dystrophy type 2L (LGMDR12). Also called: Limb-girdle muscular dystrophy, type 2L; Limb-Girdle Muscular Dystrophy R12 Anoctamin-5-Related (LGMD-R12); MUSCULAR DYSTROPHY, LIMB-GIRDLE, AUTOSOMAL RECESSIVE 12. Identifiers: Orphanet 206549, MedGen C1969785, MONDO:0012652, OMIM 611307.
ANO5-Related Muscle Diseases. Identifiers: MedGen CN180644.
Inborn genetic diseases. Identifiers: MedGen C0950123, MeSH D030342.

Allele frequency attached by ClinVar (database versions not stated): ExAC 0.00002; gnomAD exomes 0.00002 and 0.00003; gnomAD 0.00003; TOPMed 0.00003.
gnomAD v4.1: 36 of 1,613,874 alleles (0.0022%); highest among the groups gnomAD compares: Non-Finnish European, 0.0029%; no homozygotes.

Submissions (5):

Labcorp Genetics (formerly Invitae), Labcorp
Classification: Likely pathogenic for Autosomal recessive limb-girdle muscular dystrophy type 2L; Gnathodiaphyseal dysplasia. Last evaluated: 2025-10-02. Review status: criteria provided, single submitter. Criteria: Invitae Variant Classification Sherloc (09022015). Collection method: clinical testing. Allele origin: germline.
Comment: This sequence change replaces glycine, which is neutral and non-polar, with serine, which is neutral and polar, at codon 348 of the ANO5 protein (p.Gly348Ser). This variant is present in population databases (rs139344099, gnomAD 0.004%). This missense change has been observed in individual(s) with autosomal recessive limb-girdle muscular dystrophy (internal data). ClinVar contains an entry for this variant (Variation ID: 281308). Invitae Evidence Modeling of protein sequence and biophysical properties (such as structural, functional, and spatial information, amino acid conservation, physicochemical variation, residue mobility, and thermodynamic stability) has been performed for this missense variant. However, the output from this modeling did not meet the statistical confidence thresholds required to predict the impact of this variant on ANO5 protein function. In summary, the currently available evidence indicates that the variant is pathogenic, but additional data are needed to prove that conclusively. Therefore, this variant has been classified as Likely Pathogenic.

Ambry Genetics
Classification: Uncertain significance for Inborn genetic diseases. Last evaluated: 2025-09-21. Review status: criteria provided, single submitter. Criteria: Ambry Variant Classification Scheme 2023. Collection method: clinical testing. Allele origin: germline.

Revvity Omics, Revvity
Classification: Uncertain significance. Last evaluated: 2023-05-02. Review status: criteria provided, single submitter. Criteria: ACMG Guidelines, 2015. Collection method: clinical testing. Allele origin: germline.

Eurofins Ntd Llc (ga)
Classification: Uncertain significance. Last evaluated: 2018-03-06. Review status: criteria provided, single submitter. Criteria: EGL ClinVar v180209 classification definitions. Collection method: clinical testing. Allele origin: germline. Observed: 3 variant alleles, 3 heterozygotes.

Illumina Laboratory Services, Illumina
Classification: Uncertain significance for ANO5-Related Muscle Diseases. Last evaluated: 2018-01-13. Review status: criteria provided, single submitter. Criteria: ICSL Variant Classification Criteria 13 December 2019. Collection method: clinical testing. Allele origin: germline.

NM_213599.3(ANO5):c.1042G>A (p.Gly348Ser)

Gene: ANO5 (anoctamin 5; plus strand). Cytogenetic location: 11p14.3.
Variant type: single nucleotide variant.
Coding change: c.1042G>A on transcript NM_213599.3 (MANE Select); coding-DNA position 1042, G replaced by A.
Protein change: p.Gly348Ser; replaces glycine 348 with serine.
Molecular consequence: missense variant.
Genome position (GRCh38, 1-based): chr11:22,250,769, G>A. VCF-style: chr11-22250769-G-A. GRCh37 (hg19) VCF-style: chr11-22272315-G-A.
Other names: c.1039G>A, p.Gly347Ser (NM_001142649.2); short protein forms G348S, G347S.
Identifiers: ClinVar variation 281308 (VCV000281308.20), dbSNP rs139344099, ClinGen allele CA5923119.